The following is an entry in ClinVar:

ClinVar aggregate classification (germline): Benign/Likely benign. Review status: criteria provided, multiple submitters, no conflicts (2 of 4 stars). 3 submissions from 3 submitters: Benign (1); Likely benign (2). Last evaluated 2025-02-06.

Conditions:
POLD1-related polyposis and colorectal cancer syndrome (CRCS10). Also called: COLORECTAL CANCER, SUSCEPTIBILITY TO, ON CHROMOSOME 19q; Colorectal cancer 10; Colorectal cancer, susceptibility to, 10. Identifiers: Orphanet 220460, MedGen C2675481, MONDO:0012953, OMIM 612591.
Hereditary cancer-predisposing syndrome. Also called: Neoplastic Syndromes, Hereditary; Tumor predisposition; Hereditary neoplastic syndrome; Hereditary Cancer Syndrome. Identifiers: Orphanet 140162, MedGen C0027672, MeSH D009386, MONDO:0015356.

gnomAD v4.1: 1 of 1,581,024 alleles (0.000063%); highest among the groups gnomAD compares: East Asian, 0.0023%; no homozygotes.

Submissions (3):

Myriad Genetics, Inc.
Classification: Benign for POLD1-related polyposis and colorectal cancer syndrome. Last evaluated: 2025-02-06. Review status: criteria provided, single submitter. Criteria: Myriad Autosomal Dominant, Autosomal Recessive and X-Linked Classification Criteria (2023). Collection method: clinical testing. Allele origin: unknown.
Comment: This variant is considered benign. This variant is a silent/synonymous amino acid change and it is not expected to impact splicing.

Labcorp Genetics (formerly Invitae), Labcorp
Classification: Likely benign for POLD1-related polyposis and colorectal cancer syndrome. Last evaluated: 2024-03-23. Review status: criteria provided, single submitter. Criteria: Invitae Variant Classification Sherloc (09022015). Collection method: clinical testing. Allele origin: germline.

Ambry Genetics
Classification: Likely benign for Hereditary cancer-predisposing syndrome. Last evaluated: 2022-08-29. Review status: criteria provided, single submitter. Criteria: Ambry Variant Classification Scheme 2023. Collection method: clinical testing. Allele origin: germline.

NM_002691.4(POLD1):c.1485C>G (p.Thr495=)

Gene: POLD1 (DNA polymerase delta 1, catalytic subunit; plus strand). Cytogenetic location: 19q13.33.
Variant type: single nucleotide variant.
Coding change: c.1485C>G on transcript NM_002691.4 (MANE Select); coding-DNA position 1485, C replaced by G.
Protein change: p.Thr495=; no amino-acid change (threonine 495 retained).
Molecular consequence: synonymous variant. On other transcripts: non-coding transcript variant (1).
Genome position (GRCh38, 1-based): chr19:50,406,508, C>G. VCF-style: chr19-50406508-C-G. GRCh37 (hg19) VCF-style: chr19-50909765-C-G.
Other names: c.1485C>G, p.Thr495= (NM_001256849.1, NM_001308632.1).
Identifiers: ClinVar variation 1773649 (VCV001773649.6), dbSNP rs2230245, ClinGen allele CA508304785.
Genomic context (GRCh38, chr19:50,406,508, plus strand): 5'-TGCCGTGAGCTTCCACTTCCTGGGCGAGCAGAAGGAGGACGTGCAGCACAGCATCATCAC[C>G]GACCTGCAGGTGCCTGCTGCCTCCCTGACCTCTCACCCCAACCTCTGACCTCCACCTCAC-3'
Protein context (NP_002682.2, residues 485-505): QKEDVQHSII[Thr495=]DLQNGNDQTR